The following is an entry in ClinVar:

NM_020989.4(CRYGC):c.464A>C (p.Gln155Pro)

Genes: CRYGC (crystallin gamma C; minus strand), LOC100507443 (uncharacterized LOC100507443; plus strand). Cytogenetic location: 2q33.3.
Variant type: single nucleotide variant.
Coding change: c.464A>C on transcript NM_020989.4 (MANE Select); coding-DNA position 464, A replaced by C.
Protein change: p.Gln155Pro; replaces glutamine 155 with proline.
Molecular consequence: missense variant.
Genome position (GRCh38, 1-based): chr2:208,128,264, T>G on the plus strand (A>C on the coding strand, the complement: CRYGC is on the minus strand). VCF-style: chr2-208128264-T-G. GRCh37 (hg19) VCF-style: chr2-208992988-T-G.
Other names: short protein forms Q155P.
Identifiers: ClinVar variation 4686196 (VCV004686196.1).

ClinVar aggregate classification (germline): Uncertain significance (1 of 4 stars; one submission).

Submission:

GeneDx
Classification: Uncertain significance. Last evaluated: 2025-07-07. Review status: criteria provided, single submitter. Criteria: GeneDx Variant Classification Process June 2021. Collection method: clinical testing. Allele origin: germline. Affected: yes.
Comment: Not observed at significant frequency in large population cohorts (gnomAD); In silico analysis suggests that this missense variant does not alter protein structure/function; Has not been previously published as pathogenic or benign to our knowledge